The following is an entry in ClinVar:

NM_000256.3(MYBPC3):c.1090G>C (p.Ala364Pro)

Gene: MYBPC3 (myosin binding protein C3; minus strand). Cytogenetic location: 11p11.2.
Variant type: single nucleotide variant.
Coding change: c.1090G>C on transcript NM_000256.3 (MANE Select); coding-DNA position 1090, G replaced by C.
Protein change: p.Ala364Pro; replaces alanine 364 with proline.
Molecular consequence: missense variant.
Genome position (GRCh38, 1-based): chr11:47,346,207, C>G on the plus strand (G>C on the coding strand, the complement: MYBPC3 is on the minus strand). VCF-style: chr11-47346207-C-G. GRCh37 (hg19) VCF-style: chr11-47367758-C-G.
Other names: c.1090G>C, p.Ala364Pro (LRG_386t1); short protein forms A364P.
Identifiers: ClinVar variation 193980 (VCV000193980.11), dbSNP rs794727046, ClinGen allele CA009764.

ClinVar aggregate classification (germline): Uncertain significance. Review status: criteria provided, multiple submitters, no conflicts (2 of 4 stars). 3 submissions from 3 submitters: Uncertain significance (3). Last evaluated 2023-09-21.

Conditions:
Cardiovascular phenotype. Identifiers: MedGen CN230736.
Hypertrophic cardiomyopathy. Also called: HYPERTROPHIC MYOCARDIOPATHY. Identifiers: Orphanet 217569, MedGen C0007194, MeSH D002312, MONDO:0005045, HP:0001639.

Submissions (3):

Labcorp Genetics (formerly Invitae), Labcorp
Classification: Uncertain significance for Hypertrophic cardiomyopathy. Last evaluated: 2023-09-21. Review status: criteria provided, single submitter. Criteria: Invitae Variant Classification Sherloc (09022015). Collection method: clinical testing. Allele origin: germline.
Comment: Variants that disrupt the consensus splice site are a relatively common cause of aberrant splicing (PMID: 17576681, 9536098). Algorithms developed to predict the effect of sequence changes on RNA splicing suggest that this variant may disrupt the consensus splice site. An algorithm developed to predict the effect of missense changes on protein structure and function (PolyPhen-2) suggests that this variant is likely to be disruptive. ClinVar contains an entry for this variant (Variation ID: 193980). This missense change has been observed in individual(s) with clinical features of hypertrophic cardiomyopathy (Invitae). This variant is not present in population databases (gnomAD no frequency). This sequence change replaces alanine, which is neutral and non-polar, with proline, which is neutral and non-polar, at codon 364 of the MYBPC3 protein (p.Ala364Pro). This variant also falls at the last nucleotide of exon 12, which is part of the consensus splice site for this exon. This variant disrupts the c.1090G nucleotide in the MYBPC3 gene. Other variant(s) that disrupt this nucleotide have been determined to be pathogenic (PMID: 20513729, 21302287, 25740977, 30645170). This suggests that this nucleotide is clinically significant, and that variants that disrupt this position are likely to be disease-causing. In summary, the available evidence is currently insufficient to determine the role of this variant in disease. Therefore, it has been classified as a Variant of Uncertain Significance.

Ambry Genetics
Classification: Uncertain significance for Cardiovascular phenotype. Last evaluated: 2023-04-06. Review status: criteria provided, single submitter. Criteria: Ambry Variant Classification Scheme 2023. Collection method: clinical testing. Allele origin: germline.
Comment: The p.A364P variant (also known as c.1090G>C), located in coding exon 12 of the MYBPC3 gene, results from a G to C substitution at nucleotide position 1090. The amino acid change results in alanine to proline at codon 364, an amino acid with highly similar properties. However, this change occurs in the last base pair of coding exon 12, which makes it likely to have some effect on normal mRNA splicing. This alteration has been reported in a hypertrophic cardiomyopathy (HCM) cohort; however, clinical details were limited (Ho CY et al. Nat Med, 2021 Oct;27:1818-1824). This nucleotide position is well conserved in available vertebrate species. This amino acid position is well conserved in available vertebrate species. In silico splice site analysis predicts that this alteration will weaken the native splice donor site. In addition, as a missense substitution this is predicted to be inconclusive by in silico analysis. Since supporting evidence is limited at this time, the clinical significance of this alteration remains unclear.

Eurofins Ntd Llc (ga)
Classification: Uncertain significance. Last evaluated: 2015-02-05. Review status: criteria provided, single submitter. Criteria: EGL Classification Definitions 2015. Collection method: clinical testing. Allele origin: germline. Observed: 2 variant alleles, 2 heterozygotes.

Literature cited by the submitters: PubMed 17576681 (cited by Labcorp Genetics (formerly Invitae), Labcorp); PubMed 9536098 (cited by Labcorp Genetics (formerly Invitae), Labcorp); PubMed 20513729 (cited by Labcorp Genetics (formerly Invitae), Labcorp); PubMed 21302287 (cited by Labcorp Genetics (formerly Invitae), Labcorp); PubMed 25740977 (cited by Labcorp Genetics (formerly Invitae), Labcorp); PubMed 30645170 (cited by Labcorp Genetics (formerly Invitae), Labcorp); PubMed 34556856 (cited by Ambry Genetics).